The following is an entry in ClinVar:

NM_001271696.3(ABCB7):c.162C>T (p.Ala54=)

Genes: ABCB7 (ATP binding cassette subfamily B member 7; minus strand), LOC130068449 (ATAC-STARR-seq lymphoblastoid active region 29770; plus strand). Cytogenetic location: Xq13.3.
Variant type: single nucleotide variant.
Coding change: c.162C>T on transcript NM_001271696.3 (MANE Select); coding-DNA position 162, C replaced by T.
Protein change: p.Ala54=; no amino-acid change (alanine 54 retained).
Molecular consequence: synonymous variant.
Genome position (GRCh38, 1-based): chrX:75,156,111, G>A on the plus strand (C>T on the coding strand, the complement: ABCB7 is on the minus strand). VCF-style: chrX-75156111-G-A. GRCh37 (hg19) VCF-style: chrX-74375946-G-A.
Other names: c.162C>T, p.Ala54= (NM_001271697.3, NM_001271698.3, NM_001271699.3 and 1 more transcripts).
Identifiers: ClinVar variation 2660943 (VCV002660943.24), dbSNP rs1243050726, ClinGen allele CA517280985.

ClinVar aggregate classification (germline): Likely benign (1 of 4 stars; one submission).

Submission:

CeGaT Center for Human Genetics Tuebingen
Classification: Likely benign. Last evaluated: 2022-04-01. Review status: criteria provided, single submitter. Criteria: CeGaT Center For Human Genetics Tuebingen Variant Classification Criteria Version 2. Collection method: clinical testing. Allele origin: germline. Affected: yes. Observed: 1 variant allele.
Comment: ABCB7: PM2:Supporting, BP4, BP7